The following is an entry in ClinVar:

NM_007194.4(CHEK2):c.1354T>C (p.Trp452Arg)

Gene: CHEK2 (checkpoint kinase 2; minus strand). Cytogenetic location: 22q12.1.
Variant type: single nucleotide variant.
Coding change: c.1354T>C on transcript NM_007194.4 (MANE Select); coding-DNA position 1354, T replaced by C.
Protein change: p.Trp452Arg; replaces tryptophan 452 with arginine.
Molecular consequence: missense variant.
Genome position (GRCh38, 1-based): chr22:28,695,148, A>G on the plus strand (T>C on the coding strand, the complement: CHEK2 is on the minus strand). VCF-style: chr22-28695148-A-G. GRCh37 (hg19) VCF-style: chr22-29091136-A-G.
Other names: c.1483T>C, p.Trp495Arg (NM_001005735.3); c.691T>C, p.Trp231Arg (NM_001257387.3); c.1153T>C, p.Trp385Arg (NM_001349956.3); c.1267T>C, p.Trp423Arg (NM_145862.3); short protein forms W452R, W385R, W423R, W231R, W495R.
Identifiers: ClinVar variation 633174 (VCV000633174.15), dbSNP rs764449869, ClinGen allele CA10167675.
Genomic context (GRCh38, chr22:28,695,148, plus strand): 5'-TTAGCATACCACAAATTCTTAACCCTTTCATATTCATACCTTTCTCTGAGACTTCTGCCC[A>G]GACTTCAGGAATGAAGTTGTATTTTCCACTGGTGATCTGATCCTTCAGTGACACTTGAGT-3'
Protein context (NP_009125.1, residues 442-462): SGKYNFIPEV[Trp452Arg]AEVSEKALDL

ClinVar aggregate classification (germline): Uncertain significance. Review status: criteria provided, multiple submitters, no conflicts (2 of 4 stars). 3 submissions from 3 submitters: Uncertain significance (3). Last evaluated 2025-11-06.

Conditions:
Hereditary cancer-predisposing syndrome. Also called: Tumor predisposition; Neoplastic Syndromes, Hereditary; Hereditary neoplastic syndrome; Hereditary Cancer Syndrome. Identifiers: Orphanet 140162, MedGen C0027672, MeSH D009386, MONDO:0015356.
Familial cancer of breast. Also called: hereditary breast carcinoma; BREAST CANCER, FAMILIAL; Hereditary breast cancer. Identifiers: Orphanet 227535, MedGen C0346153, MONDO:0016419, OMIM 114480. Disease mechanism: loss of function.

Allele frequency attached by ClinVar (database versions not stated): gnomAD exomes below 0.00001; ExAC 0.00001.
gnomAD v4.1: 1 of 1,609,394 alleles (0.000062%); highest among the groups gnomAD compares: East Asian, 0.0022%; no homozygotes.

Submissions (3):

Labcorp Genetics (formerly Invitae), Labcorp
Classification: Uncertain significance for Familial cancer of breast. Last evaluated: 2025-11-06. Review status: criteria provided, single submitter. Criteria: Invitae Variant Classification Sherloc (09022015). Collection method: clinical testing. Allele origin: germline.
Comment: This sequence change replaces tryptophan, which is neutral and slightly polar, with arginine, which is basic and polar, at codon 452 of the CHEK2 protein (p.Trp452Arg). This variant is present in population databases (rs764449869, gnomAD 0.006%). This variant has not been reported in the literature in individuals affected with CHEK2-related conditions. ClinVar contains an entry for this variant (Variation ID: 633174). An algorithm developed to predict the effect of missense changes on protein structure and function (PolyPhen-2) suggests that this variant is likely to be disruptive. In summary, the available evidence is currently insufficient to determine the role of this variant in disease. Therefore, it has been classified as a Variant of Uncertain Significance.

Ambry Genetics
Classification: Uncertain significance for Hereditary cancer-predisposing syndrome. Last evaluated: 2025-10-23. Review status: criteria provided, single submitter. Criteria: Ambry Variant Classification Scheme 2023. Collection method: clinical testing. Allele origin: germline.
Comment: The p.W452R variant (also known as c.1354T>C), located in coding exon 11 of the CHEK2 gene, results from a T to C substitution at nucleotide position 1354. The tryptophan at codon 452 is replaced by arginine, an amino acid with dissimilar properties. This amino acid position is highly conserved in available vertebrate species. In addition, this alteration is predicted to be deleterious by in silico analysis. Since supporting evidence is limited at this time, the clinical significance of this alteration remains unclear.

Women's Health and Genetics/Laboratory Corporation of America, LabCorp
Classification: Uncertain significance. Last evaluated: 2018-01-08. Review status: criteria provided, single submitter. Criteria: LabCorp Variant Classification Summary - May 2015. Collection method: clinical testing. Allele origin: germline.
Comment: Variant summary: The CHEK2 c.1354T>C (p.Trp452Arg) variant involves the alteration of a conserved nucleotide that is located in the protein kinase domain (InterPro). 5/5 in silico tools predict a damaging outcome for this variant. This variant was found in 1/245858 control chromosomes at a frequency of 0.0000041, which does not exceed the estimated maximal expected allele frequency of a pathogenic CHEK2 variant (0.0000284). The variant of interest has not, to our knowledge, been reported in affected individuals via publications and/or reputable databases/clinical diagnostic laboratories; nor evaluated for functional impact by in vivo/vitro studies. Because of the absence of clinical information and the lack of functional studies, the variant is classified as a variant of uncertain significance (VUS) until additional information becomes available.